The following is an entry in ClinVar:

NM_053274.3(GLMN):c.1179_1181del (p.Asn393del)

Gene: GLMN (glomulin, FKBP associated protein; minus strand). Cytogenetic location: 1p22.1.
Variant type: Deletion.
Coding change: c.1179_1181del on transcript NM_053274.3 (MANE Select); coding-DNA positions 1179 to 1181, 3 bases deleted (CAA; older notation c.1179_1181delCAA).
Protein change: p.Asn393del; deletes asparagine 393.
Molecular consequence: inframe deletion. On other transcripts: non-coding transcript variant (1).
Genome position (GRCh38, 1-based): chr1:92,266,452-92,266,454, TTG deleted on the plus strand (CAA on the coding strand, the reverse complement: GLMN is on the minus strand); deleting any 3 consecutive bases within chr1:92,266,452-92,266,456 gives the same sequence; the c. name uses the placement nearest the transcript's 3' end. VCF-style (leftmost placement, unchanged base first): chr1-92266451-CTTG-C. GRCh37 (hg19) VCF-style: chr1-92732008-CTTG-C.
Other names: p.Asn393del; c.1179_1181delCAA (NM_053274.2, NM_053274.3); c.1137_1139del, p.Asn379del (NM_001319683.2); short protein forms N393del, N379del.
Identifiers: ClinVar variation 7807 (VCV000007807.22), dbSNP rs773442562, ClinGen allele CA070817.

ClinVar aggregate classification (germline): Pathogenic/Likely pathogenic. Review status: criteria provided, multiple submitters, no conflicts (2 of 4 stars). 12 submissions from 12 submitters: Pathogenic (5); Likely pathogenic (5). 2 of the submissions do not count toward it. Last evaluated 2026-08-07.

Conditions:
GLMN-related disorders.
GLMN-related disorder. Also called: GLMN-related condition.
Vascular skin disorders.
Inborn genetic diseases. Identifiers: MedGen C0950123, MeSH D030342.
Glomuvenous malformation. Also called: GLOMANGIOMAS, MULTIPLE; GLOMUS TUMORS, MULTIPLE; VENOUS MALFORMATIONS WITH GLOMUS CELLS; Familial glomangioma. Identifiers: Orphanet 83454, MedGen C1841984, MONDO:0007672, OMIM 138000.

Submissions (12):

GeneDx
Classification: Likely pathogenic. Last evaluated: 2026-08-07. Review status: criteria provided, single submitter. Criteria: GeneDx Variant Classification Process June 2021. Collection method: clinical testing. Allele origin: germline.
Comment: In-frame deletion of 1 amino acid(s) in a non-repeat region; In silico analysis supports a deleterious effect on protein structure/function; This variant is associated with the following publications: (PMID: 23375657, 23801931, 22748924, 39789873, 11845407)

Genetics Laboratory, Great Ormond Street Hospital NHS Foundation Trust, North Thames Genomic Laboratory Hub
Classification: Likely pathogenic for Vascular skin disorders. Last evaluated: 2026-06-14. Review status: criteria provided, single submitter. Criteria: ACGS Best Practice Guidelines for Variant Classification in Rare Disease 2024 v1.2. Collection method: clinical testing. Allele origin: germline. Affected: yes.
Comment: PS4_moderate, PM2_moderate, PM4_supporting, PP1_strong

Victorian Clinical Genetics Services, Murdoch Childrens Research Institute
Classification: Pathogenic for Glomuvenous malformation. Last evaluated: 2026-03-19. Review status: criteria provided, single submitter. Criteria: ACMG Guidelines, 2015. Collection method: clinical testing. Allele origin: germline. Affected: yes.
Comment: This variant is classified as Pathogenic. Evidence in support of pathogenic classification: In-frame insertion/deletion in a non-repetitive region that has low conservation; Variant is present in gnomAD <0.001 for a dominant condition (v4: 48 heterozygote(s), 0 homozygote(s)); This variant has strong previous evidence of pathogenicity in unrelated individuals. It has been classified as pathogenic and likely pathogenic by clinical laboratories (ClinVar) and has been reported in individuals affected with glomuvenous malformations (PMID: 23801931). Additional information: This variant is heterozygous; This gene is associated with autosomal dominant disease; Loss of function is a known mechanism of disease in this gene and is associated with glomuvenous malformations (MIM#138000); The condition associated with this gene has incomplete penetrance. In a cohort of 162 families, penetrance was estimated to be approximately 90% (PMID:23801931); Variants in this gene are known to have variable expressivity. Significant phenotypic variability is reported even among affected family members, and may be influenced by somatically-acquired 'second hits' (PMID: 23801931, 23375657); Inheritance information for this variant is not currently available in this individual.

Ambry Genetics
Classification: Pathogenic for Inborn genetic diseases. Last evaluated: 2025-10-20. Review status: criteria provided, single submitter. Criteria: Ambry Variant Classification Scheme 2023. Collection method: clinical testing. Allele origin: germline.
Comment: The c.1179_1181delCAA (p.N393del) alteration, located in exon 13 (coding exon 12) of the GLMN gene, results from an in-frame deletion of 3 nucleotides at positions c.1179 to c.1181. This results in the deletion of an asparagine residue at codon 393. Based on data from gnomAD, this allele has an overall frequency of 0.003% (7/249236) total alleles studied. The highest observed frequency was 0.006% (7/112876) of European (non-Finnish) alleles. This variant was identified in one or more individuals with features consistent with glomuvenous malformations (Brouillard, 2005; Brouillard, 2013; O'Sullivan, 2025) and segregated with disease in at least one family. This amino acid position is not well conserved in available vertebrate species. This alteration is predicted to be deleterious by in silico analysis (Choi, 2012). Based on the available evidence, this alteration is classified as pathogenic.

Department of Clinical Genetics, Copenhagen University Hospital, Rigshospitalet
Classification: Likely pathogenic for Glomuvenous malformation. Last evaluated: 2025-03-14. Review status: criteria provided, single submitter. Criteria: ACMG Guidelines, 2015. Collection method: clinical testing. Allele origin: germline.
Comment: PP1_Str, PS4_M, PM4_su, PP3_su

Clinical Genomics Laboratory, Washington University in St. Louis
Classification: Likely pathogenic for Glomuvenous malformation. Last evaluated: 2025-03-11. Review status: criteria provided, single submitter. Criteria: ACMG Guidelines, 2015. Collection method: clinical testing. Allele origin: germline. Affected: yes.
Comment: A GLMN c.1179_1181del (p.Asn393del) variant was identified at a near heterozygous allelic fraction of 60.2%, a frequency which may be consistent with it being of germline origin. The GLMN c.1179_1181del (p.Asn393del) variant has been reported in several individuals affected with glomuvenous malformations (Amyere M et al., PMID: 23375657; Brouillard P et al., PMID: 15689436; Brouillard P et al., PMID: 23801931). This variant has been reported in the ClinVar database in the germline state as a pathogenic/ likely pathogenic variant by 5 submitters (ClinVar ID 7807). It is observed in 48/1,572,774 alleles in the general population (gnomAD v4.1.0). This variant is predicted to cause a change in the length of the protein due to an in-frame deletion of one amino acid in a non-repeat region. Based on available information and the ACMG/AMP guidelines for variant interpretation (Richards S et al., PMID: 25741868), this variant is classified as likely pathogenic.

Blueprint Genetics
Classification: Pathogenic for GLMN-related disorders. Last evaluated: 2024-10-02. Review status: criteria provided, single submitter. Criteria: ACMG Guidelines, 2015. Collection method: clinical testing. Allele origin: germline. Affected: yes. Observed: 5 variant alleles.

Mayo Clinic Laboratories, Mayo Clinic
Classification: Likely pathogenic. Last evaluated: 2024-07-09. Review status: criteria provided, single submitter. Criteria: ACMG Guidelines, 2015. Collection method: clinical testing. Allele origin: germline. Observed: 1 variant allele.
Comment: PP1_strong, PP4, PM4, PS4_moderate

Fulgent Genetics
Classification: Pathogenic for Glomuvenous malformation. Last evaluated: 2022-05-18. Review status: criteria provided, single submitter. Criteria: ACMG Guidelines, 2015. Collection method: clinical testing. Allele origin: unknown.

ARUP Laboratories, Molecular Genetics and Genomics, ARUP Laboratories
Classification: Pathogenic. Last evaluated: 2016-09-05. Review status: criteria provided, single submitter. Criteria: ARUP Molecular Germline Variant Investigation Process. Collection method: clinical testing. Allele origin: germline.

PreventionGenetics, part of Exact Sciences
Classification: Likely pathogenic for GLMN-related condition. Last evaluated: 2024-04-19. Review status: no assertion criteria provided. Collection method: clinical testing. Allele origin: germline. Not counted in ClinVar's aggregate classification.
Comment: The GLMN c.1179_1181delCAA variant is predicted to result in an in-frame deletion (p.Asn393del). This variant has been reported in multiple individuals with glomuvenous malformations (GVMs) and is one of the common pathogenic variants associated with GVMs (Brouillard et al 2002. PubMed ID: 11845407; Brouillard et al 2013. PubMed: 23801931). This in-frame deletion variant has been stated as an atypical glomulin variant because majority of GVM pathogenic variants results in premature truncation of protein and RT-PCR study did not reveal aberrant splicing due to this variant (Brouillard et al 2005. PubMed: 15689436). This variant is reported in 0.0062% of alleles in individuals of European (Non-Finnish) descent in gnomAD. This variant is interpreted as likely pathogenic.

OMIM
Classification: Pathogenic for GLOMUVENOUS MALFORMATIONS. Last evaluated: 2002-04-01. Review status: no assertion criteria provided. Collection method: literature only. Allele origin: germline. Not counted in ClinVar's aggregate classification.

Literature cited by the submitters: PubMed 23375657 (cited by Victorian Clinical Genetics Services, Murdoch Childrens Research Institute); PubMed 23801931 (cited by 3 submitters); PubMed 15689436 (cited by Ambry Genetics and Mayo Clinic Laboratories, Mayo Clinic); PubMed 39789873 (cited by Ambry Genetics); PubMed 11845407 (cited by Mayo Clinic Laboratories, Mayo Clinic and OMIM); PubMed 31483481 (cited by Mayo Clinic Laboratories, Mayo Clinic).